The following is an entry in ClinVar:

NM_004304.5(ALK):c.3974T>C (p.Leu1325Pro)

Gene: ALK (ALK receptor tyrosine kinase; minus strand). Cytogenetic location: 2p23.2.
Variant type: single nucleotide variant.
Coding change: c.3974T>C on transcript NM_004304.5 (MANE Select); coding-DNA position 3974, T replaced by C.
Protein change: p.Leu1325Pro; replaces leucine 1325 with proline.
Molecular consequence: missense variant.
Genome position (GRCh38, 1-based): chr2:29,197,641, A>G on the plus strand (T>C on the coding strand, the complement: ALK is on the minus strand). VCF-style: chr2-29197641-A-G. GRCh37 (hg19) VCF-style: chr2-29420507-A-G.
Other names: c.770T>C, p.Leu257Pro (NM_001353765.2); short protein forms L1325P, L257P.
Identifiers: ClinVar variation 3223882 (VCV003223882.1), dbSNP rs2148143545, ClinGen allele CA346466326.

ClinVar aggregate classification (germline): Uncertain significance (1 of 4 stars; one submission).

Conditions:
Hereditary cancer-predisposing syndrome. Also called: Tumor predisposition; Hereditary neoplastic syndrome; Hereditary Cancer Syndrome; Neoplastic Syndromes, Hereditary. Identifiers: Orphanet 140162, MedGen C0027672, MeSH D009386, MONDO:0015356.

Submission:

Ambry Genetics
Classification: Uncertain significance for Hereditary cancer-predisposing syndrome. Last evaluated: 2024-01-13. Review status: criteria provided, single submitter. Criteria: Ambry Variant Classification Scheme 2023. Collection method: clinical testing. Allele origin: germline.
Comment: The p.L1325P variant (also known as c.3974T>C), located in coding exon 27 of the ALK gene, results from a T to C substitution at nucleotide position 3974. The leucine at codon 1325 is replaced by proline, an amino acid with similar properties. This amino acid position is conserved. In addition, this alteration is predicted to be deleterious by in silico analysis. Since supporting evidence is limited at this time, the clinical significance of this alteration remains unclear.